The following is an entry in ClinVar:

NM_004360.5(CDH1):c.1464T>C (p.Pro488=)

Gene: CDH1 (cadherin 1; plus strand). Cytogenetic location: 16q22.1.
Variant type: single nucleotide variant.
Coding change: c.1464T>C on transcript NM_004360.5 (MANE Select); coding-DNA position 1464, T replaced by C.
Protein change: p.Pro488=; no amino-acid change (proline 488 retained).
Molecular consequence: synonymous variant. On other transcripts: 5 prime UTR variant (2).
Genome position (GRCh38, 1-based): chr16:68,815,658, T>C. VCF-style: chr16-68815658-T-C. GRCh37 (hg19) VCF-style: chr16-68849561-T-C.
Other names: c.1281T>C, p.Pro427= (NM_001317184.2); c.-85T>C (NM_001317185.2); c.-356T>C (NM_001317186.2).
Identifiers: ClinVar variation 630999 (VCV000630999.3), dbSNP rs876658378, ClinGen allele CA496154068.

ClinVar aggregate classification (germline): Benign/Likely benign. Review status: criteria provided, multiple submitters, no conflicts (2 of 4 stars). 2 submissions from 2 submitters: Benign (1); Likely benign (1). Last evaluated 2024-09-19.

Conditions:
Hereditary cancer-predisposing syndrome. Also called: Hereditary Cancer Syndrome; Neoplastic Syndromes, Hereditary; Tumor predisposition; Hereditary neoplastic syndrome. Identifiers: Orphanet 140162, MedGen C0027672, MeSH D009386, MONDO:0015356.
Hereditary diffuse gastric adenocarcinoma (HDGC). Also called: DIFFUSE GASTRIC AND LOBULAR BREAST CANCER SYNDROME. Identifiers: Orphanet 26106, MedGen C1708349, MONDO:0007648, OMIM 137215.

Submissions (2):

Myriad Genetics, Inc.
Classification: Benign for Hereditary diffuse gastric adenocarcinoma. Last evaluated: 2024-09-19. Review status: criteria provided, single submitter. Criteria: Myriad Autosomal Dominant, Autosomal Recessive and X-Linked Classification Criteria (2023). Collection method: clinical testing. Allele origin: unknown.
Comment: This variant is considered benign. This variant is a silent/synonymous amino acid change and it is not expected to impact splicing.

Color Diagnostics, LLC DBA Color Health
Classification: Likely benign for Hereditary cancer-predisposing syndrome. Last evaluated: 2017-12-12. Review status: criteria provided, single submitter. Criteria: ACMG Guidelines, 2015. Collection method: clinical testing. Allele origin: germline.